The following is an entry in ClinVar:

NM_144672.4(OTOA):c.2102del (p.Ile701fs)

Gene: OTOA (otoancorin). Cytogenetic location: 16p12.2.
Variant type: Deletion.
Coding change: c.2102del on transcript NM_144672.4 (MANE Select); coding-DNA position 2102, one base deleted.
Protein change: p.Ile701fs; shifts the reading frame from isoleucine 701.
Molecular consequence: frameshift variant.
Genome position: GRCh38 VCF-style: chr16-21728325-AT-A. GRCh37 (hg19) VCF-style: chr16-21739646-AT-A.
Other names: c.1865del, p.Ile622fs (NM_001161683.2); c.1130del, p.Ile377fs (NM_170664.3); c.2102del (NM_144672.3); c.2102delT (NM_144672.3); short protein forms I377fs, I622fs, I701fs.
Identifiers: ClinVar variation 2907485 (VCV002907485.6), dbSNP rs1271983360, ClinGen allele CA621660394.
Genomic context (GRCh38, chr16:21,728,325, plus strand): 5'-ACTGTGGACATCATGGGGAACCTGCTGTGTCACTTGCCGGCAGCCATCATCGACAGGGGG[AT>A]CTCCCCCAGGGCTTGGGCGACTGCTCTACACGGCCTCAGAGACTGCCCAGACCTCAACCC-3'

ClinVar aggregate classification (germline): Pathogenic. Review status: criteria provided, multiple submitters, no conflicts (2 of 4 stars). 3 submissions from 3 submitters: Pathogenic (2). 1 of the submissions does not count toward it. Last evaluated 2025-01-13.

Conditions:
OTOA-related disorder. Also called: OTOA-related condition.

Allele frequency attached by ClinVar (database versions not stated): gnomAD 0.00001; gnomAD exomes 0.00001; TOPMed 0.00001.

Submissions (3):

GeneDx
Classification: Pathogenic. Last evaluated: 2025-01-13. Review status: criteria provided, single submitter. Criteria: GeneDx Variant Classification Process June 2021. Collection method: clinical testing. Allele origin: germline. Affected: yes.
Comment: Frameshift variant predicted to result in protein truncation or nonsense mediated decay in a gene for which loss of function is a known mechanism of disease; Not observed at significant frequency in large population cohorts (gnomAD); This variant is associated with the following publications: (PMID: 29196752)

Labcorp Genetics (formerly Invitae), Labcorp
Classification: Pathogenic. Last evaluated: 2023-09-17. Review status: criteria provided, single submitter. Criteria: Invitae Variant Classification Sherloc (09022015). Collection method: clinical testing. Allele origin: germline.
Comment: For these reasons, this variant has been classified as Pathogenic. This sequence change creates a premature translational stop signal (p.Ile701Thrfs*27) in the OTOA gene. It is expected to result in an absent or disrupted protein product. Loss-of-function variants in OTOA are known to be pathogenic (PMID: 11972037). This variant is present in population databases (no rsID available, gnomAD 0.002%). This premature translational stop signal has been observed in individual(s) with congenital hearling loss (PMID: 29196752).

PreventionGenetics, part of Exact Sciences
Classification: Likely pathogenic for OTOA-related condition. Last evaluated: 2023-12-16. Review status: no assertion criteria provided. Collection method: clinical testing. Allele origin: germline. Not counted in ClinVar's aggregate classification.
Comment: The OTOA c.2102delT variant is predicted to result in a frameshift and premature protein termination (p.Ile701Thrfs*27). This variant has been reported along with a second OTOA variant in an individual with hearing loss (Table S2, Patient S1566, Baux et al. 2017. PubMed ID: 29196752). This variant is reported in 0.0023% of alleles in individuals of European (Non-Finnish) descent in gnomAD. Frameshift variants in OTOA are expected to be pathogenic. This variant is interpreted as likely pathogenic.

Literature cited by the submitters: PubMed 11972037 (cited by Labcorp Genetics (formerly Invitae), Labcorp); PubMed 29196752 (cited by Labcorp Genetics (formerly Invitae), Labcorp).